The following is an entry in ClinVar:

NM_000059.4(BRCA2):c.3635A>G (p.Asn1212Ser)

Gene: BRCA2 (BRCA2 DNA repair associated; plus strand). Cytogenetic location: 13q13.1.
Variant type: single nucleotide variant.
Coding change: c.3635A>G on transcript NM_000059.4 (MANE Select); coding-DNA position 3635, A replaced by G.
Protein change: p.Asn1212Ser; replaces asparagine 1212 with serine.
Molecular consequence: missense variant.
Genome position (GRCh38, 1-based): chr13:32,337,990, A>G. VCF-style: chr13-32337990-A-G. GRCh37 (hg19) VCF-style: chr13-32912127-A-G.
Other names: short protein forms N1212S.
Identifiers: ClinVar variation 665958 (VCV000665958.12), dbSNP rs80358609, ClinGen allele CA387777920.
Genomic context (GRCh38, chr13:32,337,990, plus strand): 5'-TTGCTGGCCTGTTGAAAAATGACTGTAACAAAAGTGCTTCTGGTTATTTAACAGATGAAA[A>G]TGAAGTGGGGTTTAGGGGCTTTTATTCTGCTCATGGCACAAAACTGAATGTTTCTACTGA-3'
Protein context (NP_000050.3, residues 1202-1222): KSASGYLTDE[Asn1212Ser]EVGFRGFYSA

ClinVar aggregate classification (germline): Conflicting classifications of pathogenicity. Review status: criteria provided, conflicting classifications (1 of 4 stars). 3 submissions from 3 submitters: Uncertain significance (2); Likely benign (1). Last evaluated 2023-03-23.

Conditions:
Hereditary breast ovarian cancer syndrome. Also called: BRCA1- and BRCA2-Associated Hereditary Breast and Ovarian Cancer; Breast and ovarian cancer; Hereditary breast and ovarian cancer syndrome (HBOC); Hereditary breast and ovarian cancer; Hereditary breast and ovarian cancer syndrome; Hereditary breast and/or ovarian cancer syndrome. Identifiers: Orphanet 145, MedGen C0677776, MeSH D061325, MONDO:0003582. Disease mechanism: loss of function.
Hereditary cancer-predisposing syndrome. Also called: Tumor predisposition; Hereditary neoplastic syndrome; Neoplastic Syndromes, Hereditary; Hereditary Cancer Syndrome. Identifiers: Orphanet 140162, MedGen C0027672, MeSH D009386, MONDO:0015356.

Submissions (3):

University of Washington Department of Laboratory Medicine, University of Washington
Classification: Likely benign for Hereditary cancer-predisposing syndrome. Last evaluated: 2023-03-23. Review status: criteria provided, single submitter. Criteria: Dines et al. (Genet Med. 2020). Collection method: curation. Allele origin: germline.
Comment: Missense variant in a coldspot region where missense variants are very unlikely to be pathogenic (PMID:31911673).

BRCA2 exon 11 coldspot. Reclassification based on statistical prior probability.

Labcorp Genetics (formerly Invitae), Labcorp
Classification: Uncertain significance for Hereditary breast ovarian cancer syndrome. Last evaluated: 2022-08-12. Review status: criteria provided, single submitter. Criteria: Invitae Variant Classification Sherloc (09022015). Collection method: clinical testing. Allele origin: germline.
Comment: In summary, the available evidence is currently insufficient to determine the role of this variant in disease. Therefore, it has been classified as a Variant of Uncertain Significance. Advanced modeling of protein sequence and biophysical properties (such as structural, functional, and spatial information, amino acid conservation, physicochemical variation, residue mobility, and thermodynamic stability) performed at Invitae indicates that this missense variant is not expected to disrupt BRCA2 protein function. ClinVar contains an entry for this variant (Variation ID: 665958). This variant has not been reported in the literature in individuals affected with BRCA2-related conditions. This variant is not present in population databases (gnomAD no frequency). This sequence change replaces asparagine, which is neutral and polar, with serine, which is neutral and polar, at codon 1212 of the BRCA2 protein (p.Asn1212Ser).

Ambry Genetics
Classification: Uncertain significance for Hereditary cancer-predisposing syndrome. Last evaluated: 2022-06-07. Review status: criteria provided, single submitter. Criteria: Ambry Variant Classification Scheme 2023. Collection method: clinical testing. Allele origin: germline.
Comment: The p.N1212S variant (also known as c.3635A>G), located in coding exon 10 of the BRCA2 gene, results from an A to G substitution at nucleotide position 3635. The asparagine at codon 1212 is replaced by serine, an amino acid with highly similar properties. This amino acid position is conserved. In addition, this alteration is predicted to be tolerated by in silico analysis. Since supporting evidence is limited at this time, the clinical significance of this alteration remains unclear.